The following is an entry in ClinVar:

ClinVar aggregate classification (germline): Pathogenic (1 of 4 stars; one submission).

Conditions:
Familial adenomatous polyposis 1 (FAP1). Also called: FAMILIAL ADENOMATOUS POLYPOSIS 1, ATTENUATED; POLYPOSIS, ADENOMATOUS INTESTINAL. Identifiers: MedGen C2713442, MONDO:0021056, OMIM 175100. Disease mechanism: loss of function.

Submission:

Myriad Genetics, Inc.
Classification: Pathogenic for Familial adenomatous polyposis 1. Last evaluated: 2025-06-27. Review status: criteria provided, single submitter. Criteria: Myriad Autosomal Dominant, Autosomal Recessive and X-Linked Classification Criteria (2023). Collection method: clinical testing. Allele origin: unknown.
Comment: This variant is considered pathogenic. This variant creates a frameshift predicted to result in premature protein truncation.

NM_000038.6(APC):c.6685_6686insTT (p.Thr2229fs)

Gene: APC (APC regulator of Wnt signaling pathway; plus strand). Cytogenetic location: 5q22.2.
Variant type: Insertion.
Coding change: c.6685_6686insTT on transcript NM_000038.6 (MANE Select); coding-DNA positions 6685 to 6686, TT inserted.
Protein change: p.Thr2229fs; shifts the reading frame from threonine 2229.
Molecular consequence: frameshift variant. On other transcripts: non-coding transcript variant (2).
Genome position: GRCh38 VCF-style: chr5-112842279-A-ATT. GRCh37 (hg19) VCF-style: chr5-112177976-A-ATT.
Other names: c.5533_5534insTT, p.Thr1845fs (NM_001407472.1, NM_001407471.1); c.6685_6686insTT, p.Thr2229fs (NM_001127510.3, NM_001354895.2, NM_001407450.1); c.6631_6632insTT, p.Thr2211fs (NM_001127511.3); c.6739_6740insTT, p.Thr2247fs (NM_001354896.2, NM_001407447.1, NM_001407448.1 and 1 more transcripts); c.6715_6716insTT, p.Thr2239fs (NM_001354897.2); c.6610_6611insTT, p.Thr2204fs (NM_001354898.2); c.6601_6602insTT, p.Thr2201fs (NM_001354899.2); c.6562_6563insTT, p.Thr2188fs (NM_001354900.2); and 11 more; short protein forms T1845fs, T1946fs, T2069fs, T2100fs, T2103fs, T2128fs, T2138fs, T2146fs.
Identifiers: ClinVar variation 4071410 (VCV004071410.1).
Genomic context (GRCh38, chr5:112,842,279, plus strand): 5'-ATTTCAGGCCAAATGAAACAGCCCCTTCAAGCAAACATGCCTTCAATCTCTCGAGGCAGG[A>ATT]CAATGATTCATATTCCAGGAGTTCGAAATAGCTCCTCAAGTACAAGTCCTGTTTCTAAAA-3'